The following is an entry in ClinVar:

NM_025144.4(ALPK1):c.2575G>A (p.Asp859Asn)

Gene: ALPK1 (alpha kinase 1; plus strand). Cytogenetic location: 4q25.
Variant type: single nucleotide variant.
Coding change: c.2575G>A on transcript NM_025144.4 (MANE Select); coding-DNA position 2575, G replaced by A.
Protein change: p.Asp859Asn; replaces aspartic acid 859 with asparagine.
Molecular consequence: missense variant.
Genome position (GRCh38, 1-based): chr4:112,432,122, G>A. VCF-style: chr4-112432122-G-A. GRCh37 (hg19) VCF-style: chr4-113353278-G-A.
Other names: c.2575G>A, p.Asp859Asn (NM_001102406.2); c.2341G>A, p.Asp781Asn (NM_001253884.2); short protein forms D859N, D781N.
Identifiers: ClinVar variation 3113400 (VCV003113400.3), dbSNP rs796590441, ClinGen allele CA103763987.

ClinVar aggregate classification (germline): Uncertain significance. Review status: criteria provided, multiple submitters, no conflicts (2 of 4 stars). 2 submissions from 2 submitters: Uncertain significance (2). Last evaluated 2026-01-12.

Conditions:
Inborn genetic diseases. Identifiers: MedGen C0950123, MeSH D030342.

Allele frequency attached by ClinVar (database versions not stated): gnomAD 0.00005; TOPMed 0.00005.
gnomAD v4.1: 20 of 1,614,180 alleles (0.0012%); highest among the groups gnomAD compares: African/African-American, 0.008%; no homozygotes.

Submissions (2):

Labcorp Genetics (formerly Invitae), Labcorp
Classification: Uncertain significance. Last evaluated: 2026-01-12. Review status: criteria provided, single submitter. Criteria: Invitae Variant Classification Sherloc (09022015). Collection method: clinical testing. Allele origin: germline.
Comment: This sequence change replaces aspartic acid, which is acidic and polar, with asparagine, which is neutral and polar, at codon 859 of the ALPK1 protein (p.Asp859Asn). This variant is present in population databases (rs796590441, gnomAD 0.007%). This variant has not been reported in the literature in individuals affected with ALPK1-related conditions. ClinVar contains an entry for this variant (Variation ID: 3113400). Invitae Evidence Modeling of protein sequence and biophysical properties (such as structural, functional, and spatial information, amino acid conservation, physicochemical variation, residue mobility, and thermodynamic stability) indicates that this missense variant is not expected to disrupt ALPK1 protein function with a negative predictive value of 80%. In summary, the available evidence is currently insufficient to determine the role of this variant in disease. Therefore, it has been classified as a Variant of Uncertain Significance.

Ambry Genetics
Classification: Uncertain significance for Inborn genetic diseases. Last evaluated: 2023-11-28. Review status: criteria provided, single submitter. Criteria: Ambry Variant Classification Scheme 2023. Collection method: clinical testing. Allele origin: germline.